The following is an entry in ClinVar:

NM_000096.4(CP):c.2149C>T (p.Gln717Ter)

Gene: CP (ceruloplasmin; minus strand). Cytogenetic location: 3q24.
Variant type: single nucleotide variant.
Coding change: c.2149C>T on transcript NM_000096.4 (MANE Select); coding-DNA position 2149, C replaced by T.
Protein change: p.Gln717Ter; replaces glutamine 717 with a stop codon.
Molecular consequence: nonsense. On other transcripts: non-coding transcript variant (1).
Genome position (GRCh38, 1-based): chr3:149,185,375, G>A on the plus strand (C>T on the coding strand, the complement: CP is on the minus strand). VCF-style: chr3-149185375-G-A. GRCh37 (hg19) VCF-style: chr3-148903162-G-A.
Other names: short protein forms Q717*.
Identifiers: ClinVar variation 2909769 (VCV002909769.3), dbSNP rs2472762265, ClinGen allele CA354932087.
Genomic context (GRCh38, chr3:149,185,375, plus strand): 5'-CGATATAGTATGTCCTCTCTCCCAGGTAGAAGGTGGAATCCTCAGACTGCCGCCTGCATT[G>A]GTTCACAGTATATTTTTGCTTCATGCCGCCTGTGTAATGATCAGTTGTAAGGCATTCAAC-3'

ClinVar aggregate classification (germline): Pathogenic (1 of 4 stars; one submission).

Conditions:
Deficiency of ferroxidase (ACEP). Also called: NEURODEGENERATION WITH BRAIN IRON ACCUMULATION 10; Aceruloplasminemia; Ceruloplasmin deficiency; Familial apoceruloplasmin deficiency; Hereditary ceruloplasmin deficiency; Deficiency of ceruloplasmin. Identifiers: Orphanet 48818, MedGen C0878682, MONDO:0011426, OMIM 604290, HP:0025498.

Submission:

Labcorp Genetics (formerly Invitae), Labcorp
Classification: Pathogenic for Deficiency of ferroxidase. Last evaluated: 2023-03-08. Review status: criteria provided, single submitter. Criteria: Invitae Variant Classification Sherloc (09022015). Collection method: clinical testing. Allele origin: germline.
Comment: This sequence change creates a premature translational stop signal (p.Gln717*) in the CP gene. It is expected to result in an absent or disrupted protein product. Loss-of-function variants in CP are known to be pathogenic (PMID: 16629161). This variant is not present in population databases (gnomAD no frequency). This variant has not been reported in the literature in individuals affected with CP-related conditions. For these reasons, this variant has been classified as Pathogenic.

Literature cited by the submitters: PubMed 16629161.